The following is an entry in ClinVar:

NM_005334.3(HCFC1):c.3674T>C (p.Ile1225Thr)

Gene: HCFC1 (host cell factor C1; minus strand). Cytogenetic location: Xq28.
Variant type: single nucleotide variant.
Coding change: c.3674T>C on transcript NM_005334.3 (MANE Select); coding-DNA position 3674, T replaced by C.
Protein change: p.Ile1225Thr; replaces isoleucine 1225 with threonine.
Molecular consequence: missense variant.
Genome position (GRCh38, 1-based): chrX:153,954,725, A>G on the plus strand (T>C on the coding strand, the complement: HCFC1 is on the minus strand). VCF-style: chrX-153954725-A-G. GRCh37 (hg19) VCF-style: chrX-153220176-A-G.
Other names: short protein forms I1225T.
Identifiers: ClinVar variation 1028362 (VCV001028362.19), dbSNP rs2065355018, ClinGen allele CA415119901.

ClinVar aggregate classification (germline): Uncertain significance. Review status: criteria provided, multiple submitters, no conflicts (2 of 4 stars). 2 submissions from 2 submitters: Uncertain significance (2). Last evaluated 2024-06-01.

Conditions:
Methylmalonic acidemia with homocystinuria, type cblX (MAHCX). Also called: INTELLECTUAL DEVELOPMENTAL DISORDER, X-LINKED 3. Identifiers: Orphanet 369962, MedGen C0796208, MONDO:0010657, OMIM 309541.

Submissions (2):

CeGaT Center for Human Genetics Tuebingen
Classification: Uncertain significance. Last evaluated: 2024-06-01. Review status: criteria provided, single submitter. Criteria: CeGaT Center For Human Genetics Tuebingen Variant Classification Criteria Version 2. Collection method: clinical testing. Allele origin: germline. Affected: yes. Observed: 1 variant allele.
Comment: HCFC1: PM2, BP4

Baylor Genetics
Classification: Uncertain significance for Methylmalonic acidemia with homocystinuria, type cblX. Last evaluated: 2020-06-03. Review status: criteria provided, single submitter. Criteria: ACMG Guidelines, 2015. Collection method: clinical testing. Allele origin: unknown. Affected: yes.
Comment: This variant was determined to be of uncertain significance according to ACMG Guidelines, 2015 [PMID:25741868].